The following is an entry in ClinVar:

ClinVar aggregate classification (germline): Benign (1 of 4 stars; one submission).

Allele frequency attached by ClinVar (database versions not stated): 1000 Genomes Project 0.09784; 1000 Genomes Project 30x 0.09931; TOPMed 0.13442; gnomAD 0.13810 and 0.14038.
gnomAD v4.1: 20,925 of 152,092 alleles (14%); highest among the groups gnomAD compares: Non-Finnish European, 16%; 1,591 homozygotes.

Submission:

GeneDx
Classification: Benign. Last evaluated: 2018-06-14. Review status: criteria provided, single submitter. Criteria: GeneDx Variant Classification (06012015). Collection method: clinical testing. Allele origin: germline. Affected: yes.
Comment: This variant is considered likely benign or benign based on one or more of the following criteria: it is a conservative change, it occurs at a poorly conserved position in the protein, it is predicted to be benign by multiple in silico algorithms, and/or has population frequency not consistent with disease.

NM_001854.4(COL11A1):c.489-302A>G

Gene: COL11A1 (collagen type XI alpha 1 chain; minus strand). Cytogenetic location: 1p21.1.
Variant type: single nucleotide variant.
Coding change: c.489-302A>G on transcript NM_001854.4 (MANE Select); 302 bases into the intron before coding-DNA position 489, A replaced by G.
Molecular consequence: intron variant.
Genome position (GRCh38, 1-based): chr1:103,075,082, T>C on the plus strand (A>G on the coding strand, the complement: COL11A1 is on the minus strand). VCF-style: chr1-103075082-T-C. GRCh37 (hg19) VCF-style: chr1-103540638-T-C.
Other names: c.489-302A>G (NM_001190709.2, NM_080629.3, NM_080630.4).
Identifiers: ClinVar variation 681260 (VCV000681260.1), dbSNP rs61817084, ClinGen allele CA15119981.